The following is an entry in ClinVar:

ClinVar aggregate classification (germline): Pathogenic/Likely pathogenic. Review status: criteria provided, multiple submitters, no conflicts (2 of 4 stars). 2 submissions from 2 submitters: Pathogenic (1); Likely pathogenic (1). Last evaluated 2025-05-23.

Conditions:
COL1A1-related disorder. Also called: COL1A1- related disease; COL1A1-related condition.
Osteogenesis imperfecta type I (OI1). Also called: OI, TYPE I; OSTEOGENESIS IMPERFECTA TARDA; OSTEOGENESIS IMPERFECTA WITH BLUE SCLERAE; Osteogenesis imperfecta type 1; Lobstein's Disease; Lobstein disease. Identifiers: Orphanet 216796, Orphanet 666, MedGen C0023931, MONDO:0008146, OMIM 166200. Disease mechanism: loss of function.

Submissions (2):

Clinical Biomedical Laboratory, Shriners Hospital For Children - Canada
Classification: Pathogenic for Osteogenesis imperfecta type I. Last evaluated: 2025-05-23. Review status: criteria provided, single submitter. Criteria: ACMG Guidelines, 2015. Collection method: clinical testing. Allele origin: germline. Affected: yes.
Comment: This variant introduces a premature stop codon in exon 48 of COL1AA1 and is expected to lead to degradation of the affected transcript. This is expected to lead to haploinsufficiency of the alpha 1 chain of collagen type I, which is a typical cause of osteogenesis imperfecta type I. This variant is absent from the Genome Aggregation Database (v.2.1.1), indicating it is rare. This variant has been reported in the literature (PMID: 25944380) as a cause of osteogenesis imperfecta.

Blueprint Genetics
Classification: Likely pathogenic for COL1A1-related disorders. Last evaluated: 2023-03-21. Review status: criteria provided, single submitter. Criteria: ACMG Guidelines, 2015. Collection method: clinical testing. Allele origin: germline. Affected: yes. Observed: 1 variant allele.

Literature cited by the submitters: PubMed 25944380 (cited by Clinical Biomedical Laboratory, Shriners Hospital For Children - Canada).

NM_000088.4(COL1A1):c.3616C>T (p.Gln1206Ter)

Gene: COL1A1 (collagen type I alpha 1 chain; minus strand). Cytogenetic location: 17q21.33.
Variant type: single nucleotide variant.
Coding change: c.3616C>T on transcript NM_000088.4 (MANE Select); coding-DNA position 3616, C replaced by T.
Protein change: p.Gln1206Ter; replaces glutamine 1206 with a stop codon.
Molecular consequence: nonsense.
Genome position (GRCh38, 1-based): chr17:50,186,838, G>A on the plus strand (C>T on the coding strand, the complement: COL1A1 is on the minus strand). VCF-style: chr17-50186838-G-A. GRCh37 (hg19) VCF-style: chr17-48264199-G-A.
Other names: short protein forms Q1206*.
Identifiers: ClinVar variation 4057241 (VCV004057241.2).